The following is an entry in ClinVar:

ClinVar aggregate classification (germline): Conflicting classifications of pathogenicity. Review status: criteria provided, conflicting classifications (1 of 4 stars). 7 submissions from 7 submitters: Uncertain significance (2); Likely benign (4). 1 of the submissions does not count toward it. Last evaluated 2026-01-15.

Conditions:
PIEZO1-related disorder. Also called: PIEZO1-Related Disorders; PIEZO1-related condition.
Blood group, ER (ER). Also called: ER BLOOD GROUP SYSTEM. Identifiers: MedGen C5703066, OMIM 620207.

Allele frequency attached by ClinVar (database versions not stated): 1000 Genomes Project 0.00020; 1000 Genomes Project 30x 0.00062; ExAC 0.00073; gnomAD 0.00109; gnomAD exomes 0.00116 and 0.00191; TOPMed 0.00124.
gnomAD v4.1: 2,797 of 1,550,064 alleles (0.18%); highest among the groups gnomAD compares: Non-Finnish European, 0.22%; 3 homozygotes.

Submissions (7):

Labcorp Genetics (formerly Invitae), Labcorp
Classification: Likely benign. Last evaluated: 2026-01-15. Review status: criteria provided, single submitter. Criteria: Invitae Variant Classification Sherloc (09022015). Collection method: clinical testing. Allele origin: germline.

ARUP Laboratories, Molecular Genetics and Genomics, ARUP Laboratories
Classification: Likely benign. Last evaluated: 2025-07-25. Review status: criteria provided, single submitter. Criteria: ARUP Molecular Germline Variant Investigation Process 2024. Collection method: clinical testing. Allele origin: germline.

Mayo Clinic Laboratories, Mayo Clinic
Classification: Uncertain significance. Last evaluated: 2025-07-02. Review status: criteria provided, single submitter. Criteria: ACMG Guidelines, 2015. Collection method: clinical testing. Allele origin: germline. Observed: 10 variant alleles.

PreventionGenetics, part of Exact Sciences
Classification: Likely benign for PIEZO1-related condition. Last evaluated: 2025-03-17. Review status: criteria provided, single submitter. Criteria: ACMG Guidelines, 2015. Collection method: clinical testing. Allele origin: germline.
Comment: This variant is classified as likely benign based on ACMG/AMP sequence variant interpretation guidelines (Richards et al. 2015 PMID: 25741868, with internal and published modifications).

Blueprint Genetics
Classification: Likely benign. Last evaluated: 2024-11-22. Review status: criteria provided, single submitter. Criteria: ACMG Guidelines, 2015. Collection method: clinical testing. Allele origin: germline.

GeneDx
Classification: Uncertain significance. Last evaluated: 2023-02-21. Review status: criteria provided, single submitter. Criteria: GeneDx Variant Classification Process June 2021. Collection method: clinical testing. Allele origin: germline. Affected: yes.
Comment: Observed in the heterozygous and homozygous states in multiple patients from a serology study, although clinical details were not provided (Karamatic et al. 2023); In silico analysis, which includes protein predictors and evolutionary conservation, supports that this variant does not alter protein structure/function; This variant is associated with the following publications: (PMID: 34426522, 36122374, 32112123, 30187933, 29396846, 34201899)

OMIM
Classification: Affects for ER BLOOD GROUP SYSTEM, ER(a-b+). Last evaluated: 2023-01-26. Review status: no assertion criteria provided. Collection method: literature only. Allele origin: germline. Not counted in ClinVar's aggregate classification.

Literature cited by the submitters: PubMed 29396846 (cited by Mayo Clinic Laboratories, Mayo Clinic); PubMed 34201899 (cited by Mayo Clinic Laboratories, Mayo Clinic); PubMed 36122374 (cited by Mayo Clinic Laboratories, Mayo Clinic and OMIM); PubMed 7090030 (cited by OMIM).

NM_001142864.4(PIEZO1):c.7180G>A (p.Gly2394Ser)

Gene: PIEZO1 (piezo type mechanosensitive ion channel component 1 (Er blood group); minus strand). Cytogenetic location: 16q24.3.
Variant type: single nucleotide variant.
Coding change: c.7180G>A on transcript NM_001142864.4 (MANE Select); coding-DNA position 7180, G replaced by A.
Protein change: p.Gly2394Ser; replaces glycine 2394 with serine.
Molecular consequence: missense variant.
Genome position (GRCh38, 1-based): chr16:88,716,069, C>T on the plus strand (G>A on the coding strand, the complement: PIEZO1 is on the minus strand). VCF-style: chr16-88716069-C-T. GRCh37 (hg19) VCF-style: chr16-88782477-C-T.
Other names: PIEZO1, GLY2394SER (rs201950081); c.7180G>A (NM_001142864.3); short protein forms G2394S.
Identifiers: ClinVar variation 1163587 (VCV001163587.28), dbSNP rs201950081, ClinGen allele CA8231386.